The following is an entry in ClinVar:

NM_000138.5(FBN1):c.8323del (p.Val2775fs)

Gene: FBN1 (fibrillin 1; minus strand). Cytogenetic location: 15q21.1.
Variant type: Deletion.
Coding change: c.8323del on transcript NM_000138.5 (MANE Select); coding-DNA position 8323, one base deleted (G; older notation c.8323delG).
Protein change: p.Val2775fs; shifts the reading frame from valine 2775.
Molecular consequence: frameshift variant.
Genome position (GRCh38, 1-based): chr15:48,411,283, C deleted on the plus strand (G on the coding strand, the reverse complement: FBN1 is on the minus strand); the first of 2 consecutive C bases (chr15:48,411,283-48,411,284); deleting either gives the same sequence. VCF-style (leftmost placement, unchanged base first): chr15-48411282-AC-A. GRCh37 (hg19) VCF-style: chr15-48703479-AC-A.
Other names: short protein forms V2775fs.
Identifiers: ClinVar variation 1454408 (VCV001454408.6), dbSNP rs2141210009, ClinGen allele CA2573150929.

ClinVar aggregate classification (germline): Pathogenic (1 of 4 stars; one submission).

Conditions:
Marfan syndrome (MFS). Also called: MARFAN SYNDROME, TYPE I; Marfan syndrome type 1; Marfan's syndrome; Marfan syndrome, classic; FBN1-Related Marfan Syndrome. Identifiers: Orphanet 284963, Orphanet 558, MedGen C0024796, MONDO:0007947, OMIM 154700.
Familial thoracic aortic aneurysm and aortic dissection (TAAD). Also called: Thoracic aortic aneurysms and dissections. Identifiers: Orphanet 91387, MedGen C4707243, MONDO:0019625.

Submission:

Labcorp Genetics (formerly Invitae), Labcorp
Classification: Pathogenic for Marfan syndrome; Familial thoracic aortic aneurysm and aortic dissection. Last evaluated: 2021-09-14. Review status: criteria provided, single submitter. Criteria: Invitae Variant Classification Sherloc (09022015). Collection method: clinical testing. Allele origin: germline.
Comment: For these reasons, this variant has been classified as Pathogenic. This variant disrupts a region of the FBN1 protein in which other variant(s) (p.Leu2842Profs*7) have been determined to be pathogenic (PMID: 10756346, 19618372, 27611364; Invitae). This suggests that this is a clinically significant region of the protein, and that variants that disrupt it are likely to be disease-causing. This variant has not been reported in the literature in individuals affected with FBN1-related conditions. This variant is not present in population databases (ExAC no frequency). This sequence change creates a premature translational stop signal (p.Val2775Phefs*4) in the FBN1 gene. While this is not anticipated to result in nonsense mediated decay, it is expected to disrupt the last 97 amino acid(s) of the FBN1 protein.

Literature cited by the submitters: PubMed 10756346; PubMed 19618372; PubMed 27611364.